The following is an entry in ClinVar:

ClinVar aggregate classification (germline): Uncertain significance (1 of 4 stars; one submission).

Conditions:
Malignant hyperthermia, susceptibility to, 1 (MHS1). Also called: Anesthesia related hyperthermia; Malignant hyperpyrexia; Fulminating hyperpyrexia; Pharmacogenic myopathy; RYR1-Related Malignant Hyperthermia Susceptibility; Malignant hyperthermia suceptibility 1. Identifiers: Orphanet 423, MedGen C2930980, MONDO:0007783, OMIM 145600.

Submission:

All of Us Research Program, National Institutes of Health
Classification: Uncertain significance for Malignant hyperthermia, susceptibility to, 1. Last evaluated: 2023-08-28. Review status: criteria provided, single submitter. Criteria: ACMG Guidelines, 2015. Collection method: clinical testing. Allele origin: germline. Inheritance: Autosomal dominant inheritance. Observed: 1 variant allele, 1 heterozygote.
Comment: This missense variant replaces arginine with serine at codon 901 of the RYR1 protein. Computational prediction is inconclusive regarding the impact of this variant on protein structure and function (internally defined REVEL score threshold 0.5 < inconclusive < 0.7, PMID: 27666373). To our knowledge, functional studies have not been reported for this variant. This variant has not been reported in individuals affected with RYR1-related disorders in the literature. This variant has not been identified in the general population by the Genome Aggregation Database (gnomAD). The available evidence is insufficient to determine the role of this variant in disease conclusively. Therefore, this variant is classified as a Variant of Uncertain Significance.

This study involves interpretation of variants in research participants for the purpose of population health screening. Participant phenotype was not available at the time of variant classification. Additional details can be found in publication PMID: 35346344, PMCID: PMC8962531

NM_000540.3(RYR1):c.2703G>T (p.Arg901Ser)

Gene: RYR1 (ryanodine receptor 1; plus strand). Cytogenetic location: 19q13.2.
Variant type: single nucleotide variant.
Coding change: c.2703G>T on transcript NM_000540.3 (MANE Select); coding-DNA position 2703, G replaced by T.
Protein change: p.Arg901Ser; replaces arginine 901 with serine.
Molecular consequence: missense variant.
Genome position (GRCh38, 1-based): chr19:38,463,767, G>T. VCF-style: chr19-38463767-G-T. GRCh37 (hg19) VCF-style: chr19-38954407-G-T.
Other names: c.2703G>T, p.Arg901Ser (NM_001042723.2); short protein forms R901S.
Identifiers: ClinVar variation 3073262 (VCV003073262.1), dbSNP rs1250344991, ClinGen allele CA405632272.